The following is an entry in ClinVar:

NM_015346.4(ZFYVE26):c.6194C>T (p.Ala2065Val)

Gene: ZFYVE26 (zinc finger FYVE-type containing 26; minus strand). Cytogenetic location: 14q24.1.
Variant type: single nucleotide variant.
Coding change: c.6194C>T on transcript NM_015346.4 (MANE Select); coding-DNA position 6194, C replaced by T.
Protein change: p.Ala2065Val; replaces alanine 2065 with valine.
Molecular consequence: missense variant.
Genome position (GRCh38, 1-based): chr14:67,762,378, G>A on the plus strand (C>T on the coding strand, the complement: ZFYVE26 is on the minus strand). VCF-style: chr14-67762378-G-A. GRCh37 (hg19) VCF-style: chr14-68229095-G-A.
Other names: short protein forms A2065V.
Identifiers: ClinVar variation 458289 (VCV000458289.10), dbSNP rs200312607, ClinGen allele CA7239284.

ClinVar aggregate classification (germline): Uncertain significance. Review status: criteria provided, multiple submitters, no conflicts (2 of 4 stars). 2 submissions from 2 submitters: Uncertain significance (2). Last evaluated 2026-01-05.

Conditions:
Spastic paraplegia. Identifiers: MedGen C0037772, HP:0001258.

Allele frequency attached by ClinVar (database versions not stated): gnomAD 0.00003 and 0.00004; TOPMed 0.00005; gnomAD exomes 0.00007 and 0.00009; ESP Exome Variant Server 0.00008; ExAC 0.00010.
gnomAD v4.1: 106 of 1,613,984 alleles (0.0066%); highest among the groups gnomAD compares: African/African-American, 0.0067%; no homozygotes.

Submissions (2):

Labcorp Genetics (formerly Invitae), Labcorp
Classification: Uncertain significance for Spastic paraplegia. Last evaluated: 2026-01-05. Review status: criteria provided, single submitter. Criteria: Invitae Variant Classification Sherloc (09022015). Collection method: clinical testing. Allele origin: germline.
Comment: This sequence change replaces alanine, which is neutral and non-polar, with valine, which is neutral and non-polar, at codon 2065 of the ZFYVE26 protein (p.Ala2065Val). This variant is present in population databases (rs200312607, gnomAD 0.04%). This variant has not been reported in the literature in individuals affected with ZFYVE26-related conditions. ClinVar contains an entry for this variant (Variation ID: 458289). An algorithm developed to predict the effect of missense changes on protein structure and function (PolyPhen-2) suggests that this variant is likely to be tolerated. In summary, the available evidence is currently insufficient to determine the role of this variant in disease. Therefore, it has been classified as a Variant of Uncertain Significance.

CeGaT Center for Human Genetics Tuebingen
Classification: Uncertain significance. Last evaluated: 2025-03-01. Review status: criteria provided, single submitter. Criteria: CeGaT Center For Human Genetics Tuebingen Variant Classification Criteria Version 2. Collection method: clinical testing. Allele origin: germline. Affected: yes. Observed: 1 variant allele.
Comment: ZFYVE26: PM2, BP4